The following is an entry in ClinVar:

ClinVar aggregate classification (germline): Uncertain significance (1 of 4 stars; one submission).

Conditions:
Gastrointestinal stromal tumor. Also called: Gastrointestinal stroma tumor; Gastrointestinal stromal tumor, somatic. Identifiers: Orphanet 44890, MedGen C0238198, MeSH D046152, MONDO:0011719, OMIM 606764, HP:0100723.

Submission:

Labcorp Genetics (formerly Invitae), Labcorp
Classification: Uncertain significance for Gastrointestinal stromal tumor. Last evaluated: 2022-04-08. Review status: criteria provided, single submitter. Criteria: Invitae Variant Classification Sherloc (09022015). Collection method: clinical testing. Allele origin: germline.
Comment: Algorithms developed to predict the effect of missense changes on protein structure and function are either unavailable or do not agree on the potential impact of this missense change (SIFT: "Deleterious"; PolyPhen-2: "Benign"; Align-GVGD: "Class C15"). This variant has not been reported in the literature in individuals affected with KIT-related conditions. This variant is not present in population databases (gnomAD no frequency). This sequence change replaces glutamine, which is neutral and polar, with lysine, which is basic and polar, at codon 922 of the KIT protein (p.Gln922Lys). In summary, the available evidence is currently insufficient to determine the role of this variant in disease. Therefore, it has been classified as a Variant of Uncertain Significance.

NM_000222.3(KIT):c.2764C>A (p.Gln922Lys)

Gene: KIT (KIT proto-oncogene, receptor tyrosine kinase; plus strand). Cytogenetic location: 4q12.
Variant type: single nucleotide variant.
Coding change: c.2764C>A on transcript NM_000222.3 (MANE Select); coding-DNA position 2764, C replaced by A.
Protein change: p.Gln922Lys; replaces glutamine 922 with lysine.
Molecular consequence: missense variant.
Genome position (GRCh38, 1-based): chr4:54,737,242, C>A. VCF-style: chr4-54737242-C-A. GRCh37 (hg19) VCF-style: chr4-55603408-C-A.
Other names: c.2752C>A, p.Gln918Lys (NM_001093772.2, NM_001385292.1); c.2767C>A, p.Gln923Lys (NM_001385284.1); c.2761C>A, p.Gln921Lys (NM_001385285.1); c.2749C>A, p.Gln917Lys (NM_001385286.1); c.2755C>A, p.Gln919Lys (NM_001385288.1); c.2764C>A, p.Gln922Lys (NM_001385290.1); short protein forms Q917K, Q919K, Q922K, Q923K, Q918K, Q921K.
Identifiers: ClinVar variation 2107222 (VCV002107222.4), dbSNP rs2475585587, ClinGen allele CA356914464.